The following is an entry in ClinVar:

ClinVar aggregate classification (germline): Uncertain significance (1 of 4 stars; one submission).

Submission:

Labcorp Genetics (formerly Invitae), Labcorp
Classification: Uncertain significance. Last evaluated: 2021-04-01. Review status: criteria provided, single submitter. Criteria: Invitae Variant Classification Sherloc (09022015). Collection method: clinical testing. Allele origin: germline.
Comment: This variant has not been reported in the literature in individuals with LRP2-related conditions. This variant is not present in population databases (ExAC no frequency). This sequence change replaces glycine with arginine at codon 2981 of the LRP2 protein (p.Gly2981Arg). The glycine residue is moderately conserved and there is a moderate physicochemical difference between glycine and arginine. Advanced modeling of protein sequence and biophysical properties (such as structural, functional, and spatial information, amino acid conservation, physicochemical variation, residue mobility, and thermodynamic stability) performed at Invitae indicates that this missense variant is expected to disrupt LRP2 protein function. In summary, the available evidence is currently insufficient to determine the role of this variant in disease. Therefore, it has been classified as a Variant of Uncertain Significance.

NM_004525.3(LRP2):c.8941G>C (p.Gly2981Arg)

Gene: LRP2 (LDL receptor related protein 2; minus strand). Cytogenetic location: 2q31.1.
Variant type: single nucleotide variant.
Coding change: c.8941G>C on transcript NM_004525.3 (MANE Select); coding-DNA position 8941, G replaced by C.
Protein change: p.Gly2981Arg; replaces glycine 2981 with arginine.
Molecular consequence: missense variant.
Genome position (GRCh38, 1-based): chr2:169,191,923, C>G on the plus strand (G>C on the coding strand, the complement: LRP2 is on the minus strand). VCF-style: chr2-169191923-C-G. GRCh37 (hg19) VCF-style: chr2-170048433-C-G.
Other names: short protein forms G2981R.
Identifiers: ClinVar variation 1383877 (VCV001383877.8), dbSNP rs1341975750, ClinGen allele CA349159329.